The following is an entry in ClinVar:

NM_145262.4(GLYCTK):c.1202C>T (p.Pro401Leu)

Gene: GLYCTK (glycerate kinase; plus strand). Cytogenetic location: 3p21.2.
Variant type: single nucleotide variant.
Coding change: c.1202C>T on transcript NM_145262.4 (MANE Select); coding-DNA position 1202, C replaced by T.
Protein change: p.Pro401Leu; replaces proline 401 with leucine.
Molecular consequence: missense variant. On other transcripts: 3 prime UTR variant (2), non-coding transcript variant (5).
Genome position (GRCh38, 1-based): chr3:52,292,756, C>T. VCF-style: chr3-52292756-C-T. GRCh37 (hg19) VCF-style: chr3-52326772-C-T.
Other names: c.*321C>T (NM_001144951.2, NM_001437622.1); c.1202C>T, p.Pro401Leu (NM_001437621.1); short protein forms P401L.
Identifiers: ClinVar variation 4761266 (VCV004761266.1).

ClinVar aggregate classification (germline): Uncertain significance (1 of 4 stars; one submission).

gnomAD v4.1: 3 of 1,608,114 alleles (0.00019%); highest among the groups gnomAD compares: South Asian, 0.0022%; no homozygotes.

Submission:

Labcorp Genetics (formerly Invitae), Labcorp
Classification: Uncertain significance. Last evaluated: 2025-05-26. Review status: criteria provided, single submitter. Criteria: Invitae Variant Classification Sherloc (09022015). Collection method: clinical testing. Allele origin: germline.
Comment: This sequence change replaces proline, which is neutral and non-polar, with leucine, which is neutral and non-polar, at codon 401 of the GLYCTK protein (p.Pro401Leu). This variant is present in population databases (rs762933911, gnomAD 0.0009%). This variant has not been reported in the literature in individuals affected with GLYCTK-related conditions. Invitae Evidence Modeling of protein sequence and biophysical properties (such as structural, functional, and spatial information, amino acid conservation, physicochemical variation, residue mobility, and thermodynamic stability) indicates that this missense variant is not expected to disrupt GLYCTK protein function with a negative predictive value of 80%. In summary, the available evidence is currently insufficient to determine the role of this variant in disease. Therefore, it has been classified as a Variant of Uncertain Significance.